The following is an entry in ClinVar:

ClinVar aggregate classification (germline): Uncertain significance (1 of 4 stars; one submission).

Allele frequency attached by ClinVar (database versions not stated): ExAC 0.00001; gnomAD exomes 0.00001 and 0.00002; ESP Exome Variant Server 0.00008; TOPMed 0.00008; gnomAD 0.00010 and 0.00011; 1000 Genomes Project 0.00040; 1000 Genomes Project 30x 0.00047.
gnomAD v4.1: 49 of 1,613,632 alleles (0.003%); highest among the groups gnomAD compares: African/African-American, 0.028%; no homozygotes.

Submission:

Labcorp Genetics (formerly Invitae), Labcorp
Classification: Uncertain significance. Last evaluated: 2026-01-28. Review status: criteria provided, single submitter. Criteria: Invitae Variant Classification Sherloc (09022015). Collection method: clinical testing. Allele origin: germline.
Comment: This sequence change replaces threonine, which is neutral and polar, with methionine, which is neutral and non-polar, at codon 333 of the PACS2 protein (p.Thr333Met). This variant is present in population databases (rs200473031, gnomAD 0.02%). This variant has not been reported in the literature in individuals affected with PACS2-related conditions. ClinVar contains an entry for this variant (Variation ID: 1476458). Invitae Evidence Modeling of protein sequence and biophysical properties (such as structural, functional, and spatial information, amino acid conservation, physicochemical variation, residue mobility, and thermodynamic stability) indicates that this missense variant is not expected to disrupt PACS2 protein function with a negative predictive value of 80%. In summary, the available evidence is currently insufficient to determine the role of this variant in disease. Therefore, it has been classified as a Variant of Uncertain Significance.

NM_001100913.3(PACS2):c.998C>T (p.Thr333Met)

Gene: PACS2 (phosphofurin acidic cluster sorting protein 2; plus strand). Cytogenetic location: 14q32.33.
Variant type: single nucleotide variant.
Coding change: c.998C>T on transcript NM_001100913.3 (MANE Select); coding-DNA position 998, C replaced by T.
Protein change: p.Thr333Met; replaces threonine 333 with methionine.
Molecular consequence: missense variant.
Genome position (GRCh38, 1-based): chr14:105,379,777, C>T. VCF-style: chr14-105379777-C-T. GRCh37 (hg19) VCF-style: chr14-105846114-C-T.
Other names: c.773C>T, p.Thr258Met (NM_001243127.3); c.998C>T, p.Thr333Met (NM_015197.4); short protein forms T333M, T258M.
Identifiers: ClinVar variation 1476458 (VCV001476458.6), dbSNP rs200473031, ClinGen allele CA7388673.
Genomic context (GRCh38, chr14:105,379,777, plus strand): 5'-CCACCCCTGTTCCCTGAGCCAGGCCATACTTTGAAGGCCTGTCGCACTCGAGCTCGCAGA[C>T]GGAGATTGGGAGCATCCACAGCGCCCGCAGCCACAAGGAGCCCCCAAGCCCGGTGAGTGG-3'
Protein context (NP_001094383.2, residues 323-343): FEGLSHSSSQ[Thr333Met]EIGSIHSARS